The following is an entry in ClinVar:

NM_021252.5(RAB18):c.*757G>T

Gene: RAB18 (RAB18, member RAS oncogene family; plus strand). Cytogenetic location: 10p12.1.
Variant type: single nucleotide variant.
Coding change: c.*757G>T on transcript NM_021252.5 (MANE Select); 757 bases downstream of the stop codon, G replaced by T.
Molecular consequence: 3 prime UTR variant. On other transcripts: non-coding transcript variant (1).
Genome position (GRCh38, 1-based): chr10:27,538,808, G>T. VCF-style: chr10-27538808-G-T. GRCh37 (hg19) VCF-style: chr10-27827737-G-T.
Other names: c.*757G>T (NM_001256410.2, NM_001256412.2); c.*717G>T (NM_001256411.2).
Identifiers: ClinVar variation 299834 (VCV000299834.5), dbSNP rs76051289, ClinGen allele CA5452489.

ClinVar aggregate classification (germline): Benign (1 of 4 stars; one submission).

Conditions:
Warburg micro syndrome 3 (WARBM3). Also called: MICRO SYNDROME 3. Identifiers: Orphanet 2510, MedGen C3280203, MONDO:0013638, OMIM 614222.

Allele frequency attached by ClinVar (database versions not stated): ExAC 0.00149; gnomAD exomes 0.00235 and 0.00407; gnomAD 0.01930 and 0.02074; TOPMed 0.02184; 1000 Genomes Project 0.02296; 1000 Genomes Project 30x 0.02374.
gnomAD v4.1: 3,649 of 453,988 alleles (0.8%); highest among the groups gnomAD compares: African/African-American, 6.7%; 95 homozygotes.

Submission:

Illumina Laboratory Services, Illumina
Classification: Benign for Warburg micro syndrome 3. Last evaluated: 2018-01-13. Review status: criteria provided, single submitter. Criteria: ICSL Variant Classification Criteria 13 December 2019. Collection method: clinical testing. Allele origin: germline.
Comment: This variant was observed in the ICSL laboratory as part of a predisposition screen in an ostensibly healthy population. It had not been previously curated by ICSL or reported in the Human Gene Mutation Database (HGMD: prior to June 1st, 2018), and was therefore a candidate for classification through an automated scoring system. Utilizing variant allele frequency, disease prevalence and penetrance estimates, and inheritance mode, an automated score was calculated to assess if this variant is too frequent to cause the disease. Based on the score and internal cut-off values, a variant classified as benign is not then subjected to further curation. The score for this variant resulted in a classification of benign for this disease.